The following is an entry in ClinVar:

ClinVar aggregate classification (germline): Uncertain significance (1 of 4 stars; one submission).

Allele frequency attached by ClinVar (database versions not stated): gnomAD 0.00001.
gnomAD v4.1: 15 of 1,547,992 alleles (0.00097%); highest among the groups gnomAD compares: East Asian, 0.0024%; no homozygotes.

Submission:

Labcorp Genetics (formerly Invitae), Labcorp
Classification: Uncertain significance. Last evaluated: 2022-06-30. Review status: criteria provided, single submitter. Criteria: Invitae Variant Classification Sherloc (09022015). Collection method: clinical testing. Allele origin: germline.
Comment: The frequency data for this variant in the population databases is considered unreliable, as metrics indicate poor data quality at this position in the gnomAD database. In summary, the available evidence is currently insufficient to determine the role of this variant in disease. Therefore, it has been classified as a Variant of Uncertain Significance. Variants that disrupt the consensus splice site are a relatively common cause of aberrant splicing (PMID: 17576681, 9536098). Algorithms developed to predict the effect of sequence changes on RNA splicing suggest that this variant is not likely to affect RNA splicing. This variant has not been reported in the literature in individuals affected with SEPT9-related conditions. This sequence change falls in intron 9 of the SEPT9 gene. It does not directly change the encoded amino acid sequence of the SEPT9 protein. It affects a nucleotide within the consensus splice site.

Literature cited by the submitters: PubMed 17576681; PubMed 9536098.

NM_001113491.2(SEPTIN9):c.1573+6C>T

Gene: SEPTIN9 (septin 9; plus strand). Cytogenetic location: 17q25.3.
Variant type: single nucleotide variant.
Coding change: c.1573+6C>T on transcript NM_001113491.2 (MANE Select); 6 bases into the intron after coding-DNA position 1573, C replaced by T.
Molecular consequence: intron variant.
Genome position (GRCh38, 1-based): chr17:77,493,082, C>T. VCF-style: chr17-77493082-C-T. GRCh37 (hg19) VCF-style: chr17-75489164-C-T.
Other names: c.1516+6C>T (NM_001293695.2); c.1081+6C>T (NM_001113492.2, NM_001113494.1); c.1519+6C>T (NM_006640.5); c.1552+6C>T (NM_001113493.2); c.901+6C>T (NM_001293696.2); c.820+6C>T (NM_001113496.2, NM_001293697.2, NM_001293698.2 and 1 more transcripts).
Identifiers: ClinVar variation 2445483 (VCV002445483.4), dbSNP rs1259814644, ClinGen allele CA628013414.
Genomic context (GRCh38, chr17:77,493,082, plus strand): 5'-CAGGTCAACGGCAAGAGGATCCTTGGGAGGAAGACCAAGTGGGGTACCATCGAAGGTACT[C>T]GCCGCAGGCGCCGGGGCTCCAGACAGATGGGAAGACAGTCTCTTCTGCTGACCCAGAGCC-3'